The following is an entry in ClinVar:

ClinVar aggregate classification (germline): Uncertain significance. Review status: criteria provided, single submitter (1 of 4 stars). 2 submissions from 2 submitters: Uncertain significance (1). 1 of the submissions does not count toward it. Last evaluated 2024-10-29.

Conditions:
DCHS1-related disorder. Also called: DCHS1-related condition.

Allele frequency attached by ClinVar (database versions not stated): gnomAD 0.00002; ExAC 0.00003; gnomAD exomes 0.00004; TOPMed 0.00005; 1000 Genomes Project 30x 0.00016; 1000 Genomes Project 0.00020.
gnomAD v4.1: 68 of 1,576,156 alleles (0.0043%); highest among the groups gnomAD compares: Non-Finnish European, 0.0048%; no homozygotes.

Submissions (2):

Labcorp Genetics (formerly Invitae), Labcorp
Classification: Uncertain significance. Last evaluated: 2024-10-29. Review status: criteria provided, single submitter. Criteria: Invitae Variant Classification Sherloc (09022015). Collection method: clinical testing. Allele origin: germline.
Comment: This sequence change replaces arginine, which is basic and polar, with glutamine, which is neutral and polar, at codon 2905 of the DCHS1 protein (p.Arg2905Gln). The frequency data for this variant in the population databases is considered unreliable, as metrics indicate poor data quality at this position in the gnomAD database. This variant has not been reported in the literature in individuals affected with DCHS1-related conditions. ClinVar contains an entry for this variant (Variation ID: 2182211). Invitae Evidence Modeling of protein sequence and biophysical properties (such as structural, functional, and spatial information, amino acid conservation, physicochemical variation, residue mobility, and thermodynamic stability) indicates that this missense variant is not expected to disrupt DCHS1 protein function with a negative predictive value of 95%. In summary, the available evidence is currently insufficient to determine the role of this variant in disease. Therefore, it has been classified as a Variant of Uncertain Significance.

PreventionGenetics, part of Exact Sciences
Classification: Uncertain significance for DCHS1-related condition. Last evaluated: 2024-02-05. Review status: no assertion criteria provided. Collection method: clinical testing. Allele origin: germline. Not counted in ClinVar's aggregate classification.
Comment: The DCHS1 c.8714G>A variant is predicted to result in the amino acid substitution p.Arg2905Gln. To our knowledge, this variant has not been reported in the literature. This variant is reported in 0.0093% of alleles in individuals of African descent in gnomAD. At this time, the clinical significance of this variant is uncertain due to the absence of conclusive functional and genetic evidence.

NM_003737.4(DCHS1):c.8714G>A (p.Arg2905Gln)

Gene: DCHS1 (dachsous cadherin-related 1; minus strand). Cytogenetic location: 11p15.4.
Variant type: single nucleotide variant.
Coding change: c.8714G>A on transcript NM_003737.4 (MANE Select); coding-DNA position 8714, G replaced by A.
Protein change: p.Arg2905Gln; replaces arginine 2905 with glutamine.
Molecular consequence: missense variant.
Genome position (GRCh38, 1-based): chr11:6,622,962, C>T on the plus strand (G>A on the coding strand, the complement: DCHS1 is on the minus strand). VCF-style: chr11-6622962-C-T. GRCh37 (hg19) VCF-style: chr11-6644193-C-T.
Other names: c.8714G>A (NM_003737.3); short protein forms R2905Q.
Identifiers: ClinVar variation 2182211 (VCV002182211.6), dbSNP rs201373840, ClinGen allele CA5859369.
Genomic context (GRCh38, chr11:6,622,962, plus strand): 5'-GTGTGGGTGATATCCACGGTCACAGGCACTGTGGCACTCCGGGAACCAGGCAGAGGCCCC[C>T]GTGCTATCACCTCCAGCCTCAGCTCCCGTGGTGCTTCCCGCCGGGTCCGGCCCCCACCCC-3'
Protein context (NP_003728.1, residues 2895-2915): PRELRLEVIA[Arg2905Gln]GPLPGSRSAT